The following is an entry in ClinVar:

ClinVar aggregate classification (germline): Conflicting classifications of pathogenicity. Review status: criteria provided, conflicting classifications (1 of 4 stars). 2 submissions from 2 submitters: Likely pathogenic (1); Uncertain significance (1). Last evaluated 2024-02-15.

Submissions (2):

Blueprint Genetics
Classification: Uncertain significance. Last evaluated: 2024-02-15. Review status: criteria provided, single submitter. Criteria: ACMG Guidelines, 2015. Collection method: clinical testing. Allele origin: germline.

Labcorp Genetics (formerly Invitae), Labcorp
Classification: Likely pathogenic. Last evaluated: 2022-06-01. Review status: criteria provided, single submitter. Criteria: Invitae Variant Classification Sherloc (09022015). Collection method: clinical testing. Allele origin: germline.
Comment: In summary, the currently available evidence indicates that the variant is pathogenic, but additional data are needed to prove that conclusively. Therefore, this variant has been classified as Likely Pathogenic. This variant disrupts the triple helix domain of COL4A5. Glycine residues within the Gly-Xaa-Yaa repeats of the triple helix domain are required for the structure and stability of fibrillar collagens (PMID: 7695699, 8218237, 19344236). In COL4A5, missense variants at these glycine residues are significantly enriched in individuals with disease (PMID: 23720012, 27627812) compared to the general population (ExAC). Advanced modeling of protein sequence and biophysical properties (such as structural, functional, and spatial information, amino acid conservation, physicochemical variation, residue mobility, and thermodynamic stability) performed at Invitae indicates that this missense variant is expected to disrupt COL4A5 protein function. This variant has not been reported in the literature in individuals affected with COL4A5-related conditions. This variant is not present in population databases (gnomAD no frequency). This sequence change replaces glycine, which is neutral and non-polar, with arginine, which is basic and polar, at codon 45 of the COL4A5 protein (p.Gly45Arg).

Literature cited by the submitters: PubMed 7695699 (cited by Labcorp Genetics (formerly Invitae), Labcorp); PubMed 8218237 (cited by Labcorp Genetics (formerly Invitae), Labcorp); PubMed 19344236 (cited by Labcorp Genetics (formerly Invitae), Labcorp); PubMed 23720012 (cited by Labcorp Genetics (formerly Invitae), Labcorp); PubMed 27627812 (cited by Labcorp Genetics (formerly Invitae), Labcorp).

NM_033380.3(COL4A5):c.133G>A (p.Gly45Arg)

Gene: COL4A5 (collagen type IV alpha 5 chain; plus strand). Cytogenetic location: Xq22.3.
Variant type: single nucleotide variant.
Coding change: c.133G>A on transcript NM_033380.3 (MANE Select); coding-DNA position 133, G replaced by A.
Protein change: p.Gly45Arg; replaces glycine 45 with arginine.
Molecular consequence: missense variant.
Genome position (GRCh38, 1-based): chrX:108,539,797, G>A. VCF-style: chrX-108539797-G-A. GRCh37 (hg19) VCF-style: chrX-107783027-G-A.
Other names: c.133G>A, p.Gly45Arg (NM_000495.5); short protein forms G45R.
Identifiers: ClinVar variation 1958991 (VCV001958991.6), dbSNP rs2524082382, ClinGen allele CA413908901.